The following is an entry in ClinVar:

ClinVar aggregate classification (germline): Uncertain significance. Review status: criteria provided, multiple submitters, no conflicts (2 of 4 stars). 2 submissions from 2 submitters: Uncertain significance (2). Last evaluated 2025-06-11.

Conditions:
Atrioventricular septal defect 4 (AVSD4). Identifiers: MedGen C3280781, MONDO:0013747, OMIM 614430.

Allele frequency attached by ClinVar (database versions not stated): gnomAD exomes below 0.00001; gnomAD 0.00001; TOPMed 0.00002.
gnomAD v4.1: 4 of 1,612,706 alleles (0.00025%); highest among the groups gnomAD compares: African/African-American, 0.0027%; no homozygotes.

Submissions (2):

Labcorp Genetics (formerly Invitae), Labcorp
Classification: Uncertain significance for Atrioventricular septal defect 4. Last evaluated: 2025-06-11. Review status: criteria provided, single submitter. Criteria: Invitae Variant Classification Sherloc (09022015). Collection method: clinical testing. Allele origin: germline.
Comment: This sequence change falls in intron 4 of the GATA4 gene. It does not directly change the encoded amino acid sequence of the GATA4 protein. The frequency data for this variant in the population databases is considered unreliable, as metrics indicate poor data quality at this position in the gnomAD database. This variant has not been reported in the literature in individuals affected with GATA4-related conditions. ClinVar contains an entry for this variant (Variation ID: 1023963). Algorithms developed to predict the effect of sequence changes on RNA splicing suggest that this variant may disrupt the consensus splice site. In summary, the available evidence is currently insufficient to determine the role of this variant in disease. Therefore, it has been classified as a Variant of Uncertain Significance.

GeneDx
Classification: Uncertain significance. Last evaluated: 2023-11-07. Review status: criteria provided, single submitter. Criteria: GeneDx Variant Classification Process June 2021. Collection method: clinical testing. Allele origin: germline. Affected: yes.
Comment: Has not been previously published as pathogenic or benign to our knowledge; Not observed at significant frequency in large population cohorts (gnomAD); In silico analysis is inconclusive as to whether the variant alters gene splicing. In the absence of RNA/functional studies, the actual effect of this sequence change is unknown.

NM_001308093.3(GATA4):c.913-5T>G

Gene: GATA4 (GATA binding protein 4). Cytogenetic location: 8p23.1.
Variant type: single nucleotide variant.
Coding change: c.913-5T>G on transcript NM_001308093.3 (MANE Select); 5 bases into the intron before coding-DNA position 913, T replaced by G.
Molecular consequence: intron variant.
Genome position (GRCh38, 1-based): chr8:11,755,041, T>G. VCF-style: chr8-11755041-T-G. GRCh37 (hg19) VCF-style: chr8-11612550-T-G.
Other names: c.292-5T>G (NM_001308094.2, NM_001374273.1); c.910-5T>G (NM_002052.5); c.166-5T>G (NM_001374274.1).
Identifiers: ClinVar variation 1023963 (VCV001023963.11), dbSNP rs935306106, ClinGen allele CA172119140.